The following is an entry in ClinVar:

NM_000540.3(RYR1):c.10308G>A (p.Arg3436=)

Gene: RYR1 (ryanodine receptor 1; plus strand). Cytogenetic location: 19q13.2.
Variant type: single nucleotide variant.
Coding change: c.10308G>A on transcript NM_000540.3 (MANE Select); coding-DNA position 10308, G replaced by A.
Protein change: p.Arg3436=; no amino-acid change (arginine 3436 retained).
Molecular consequence: synonymous variant.
Genome position (GRCh38, 1-based): chr19:38,523,076, G>A. VCF-style: chr19-38523076-G-A. GRCh37 (hg19) VCF-style: chr19-39013716-G-A.
Other names: c.10308G>A, p.Arg3436= (NM_001042723.2).
Identifiers: ClinVar variation 544525 (VCV000544525.24), dbSNP rs765853789, ClinGen allele CA053069.

ClinVar aggregate classification (germline): Likely benign. Review status: criteria provided, multiple submitters, no conflicts (2 of 4 stars). 5 submissions from 5 submitters: Likely benign (5). Last evaluated 2025-12-23.

Conditions:
RYR1-related disorder. Also called: RYR1-related disorders; RYR1-related condition. Identifiers: MedGen CN239331.
Malignant hyperthermia, susceptibility to, 1 (MHS1). Also called: RYR1-Related Malignant Hyperthermia Susceptibility; Anesthesia related hyperthermia; Malignant hyperpyrexia; Fulminating hyperpyrexia; Pharmacogenic myopathy; Malignant hyperthermia suceptibility 1. Identifiers: Orphanet 423, MedGen C2930980, MONDO:0007783, OMIM 145600.

Allele frequency attached by ClinVar (database versions not stated): ExAC 0.00002; gnomAD exomes 0.00002 and 0.00003; gnomAD 0.00003 and 0.00004; TOPMed 0.00004.
gnomAD v4.1: 51 of 1,612,186 alleles (0.0032%); highest among the groups gnomAD compares: Non-Finnish European, 0.0039%; no homozygotes.

Submissions (5):

Labcorp Genetics (formerly Invitae), Labcorp
Classification: Likely benign for RYR1-related disorder. Last evaluated: 2025-12-23. Review status: criteria provided, single submitter. Criteria: Invitae Variant Classification Sherloc (09022015). Collection method: clinical testing. Allele origin: germline.

CeGaT Center for Human Genetics Tuebingen
Classification: Likely benign. Last evaluated: 2025-02-01. Review status: criteria provided, single submitter. Criteria: CeGaT Center For Human Genetics Tuebingen Variant Classification Criteria Version 2. Collection method: clinical testing. Allele origin: germline. Affected: yes. Observed: 1 variant allele.
Comment: RYR1: BP4, BP7

All of Us Research Program, National Institutes of Health
Classification: Likely benign for Malignant hyperthermia, susceptibility to, 1. Last evaluated: 2023-11-02. Review status: criteria provided, single submitter. Criteria: ACMG Guidelines, 2015. Collection method: clinical testing. Allele origin: germline. Inheritance: Autosomal dominant inheritance. Observed: 9 variant alleles, 9 heterozygotes.
Comment: This study involves interpretation of variants in research participants for the purpose of population health screening. Participant phenotype was not available at the time of variant classification. Additional details can be found in publication PMID: 35346344, PMCID: PMC8962531

Color Diagnostics, LLC DBA Color Health
Classification: Likely benign for Malignant hyperthermia, susceptibility to, 1. Last evaluated: 2022-11-06. Review status: criteria provided, single submitter. Criteria: ACMG Guidelines, 2015. Collection method: clinical testing. Allele origin: germline.

Blueprint Genetics
Classification: Likely benign. Last evaluated: 2021-02-22. Review status: criteria provided, single submitter. Criteria: ACMG Guidelines, 2015. Collection method: clinical testing. Allele origin: germline.